The following is an entry in ClinVar:

ClinVar aggregate classification (germline): Uncertain significance (1 of 4 stars; one submission).

Conditions:
Tuberous sclerosis 2 (TSC2). Identifiers: Orphanet 805, MedGen C1860707, MONDO:0013199, OMIM 613254.

Submission:

Labcorp Genetics (formerly Invitae), Labcorp
Classification: Uncertain significance for Tuberous sclerosis 2. Last evaluated: 2020-06-21. Review status: criteria provided, single submitter. Criteria: Invitae Variant Classification Sherloc (09022015). Collection method: clinical testing. Allele origin: germline.
Comment: In summary, the available evidence is currently insufficient to determine the role of this variant in disease. Therefore, it has been classified as a Variant of Uncertain Significance. Algorithms developed to predict the effect of missense changes on protein structure and function (SIFT, PolyPhen-2, Align-GVGD) all suggest that this variant is likely to be tolerated, but these predictions have not been confirmed by published functional studies and their clinical significance is uncertain. This variant has not been reported in the literature in individuals with TSC2-related conditions. This variant is not present in population databases (ExAC no frequency). This sequence change replaces glycine with aspartic acid at codon 1091 of the TSC2 protein (p.Gly1091Asp). The glycine residue is moderately conserved and there is a moderate physicochemical difference between glycine and aspartic acid.

NM_000548.5(TSC2):c.3272G>A (p.Gly1091Asp)

Gene: TSC2 (TSC complex subunit 2; plus strand). Cytogenetic location: 16p13.3.
Variant type: single nucleotide variant.
Coding change: c.3272G>A on transcript NM_000548.5 (MANE Select); coding-DNA position 3272, G replaced by A.
Protein change: p.Gly1091Asp; replaces glycine 1091 with aspartic acid.
Molecular consequence: missense variant.
Genome position (GRCh38, 1-based): chr16:2,079,416, G>A. VCF-style: chr16-2079416-G-A. GRCh37 (hg19) VCF-style: chr16-2129417-G-A.
Other names: c.3140G>A, p.Gly1047Asp (NM_001077183.3, NM_001370404.1); c.3272G>A, p.Gly1091Asp (NM_001114382.3); c.3032G>A, p.Gly1011Asp (NM_001318827.2); c.2996G>A, p.Gly999Asp (NM_001318829.2); c.2540G>A, p.Gly847Asp (NM_001318831.2); c.3173G>A, p.Gly1058Asp (NM_001318832.2); c.3143G>A, p.Gly1048Asp (NM_001363528.2, NM_001370405.1, NM_021055.3); short protein forms G1011D, G1047D, G1048D, G1058D, G1091D, G847D, G999D.
Identifiers: ClinVar variation 1005289 (VCV001005289.8), dbSNP rs2089845275, ClinGen allele CA394286257.